The following is an entry in ClinVar:

ClinVar aggregate classification (germline): Conflicting classifications of pathogenicity. Review status: criteria provided, conflicting classifications (1 of 4 stars). 3 submissions from 3 submitters: Uncertain significance (2); Benign (1). Last evaluated 2025-11-05.

Conditions:
Hereditary cancer-predisposing syndrome. Also called: Tumor predisposition; Hereditary Cancer Syndrome; Neoplastic Syndromes, Hereditary; Hereditary neoplastic syndrome. Identifiers: Orphanet 140162, MedGen C0027672, MeSH D009386, MONDO:0015356.
Tuberous sclerosis syndrome (TSC). Also called: Tuberous Sclerosis Complex; Tuberous sclerosis. Identifiers: Orphanet 805, MedGen C0041341, MONDO:0001734.
Tuberous sclerosis 2 (TSC2). Identifiers: Orphanet 805, MedGen C1860707, MONDO:0013199, OMIM 613254.

Allele frequency attached by ClinVar (database versions not stated): gnomAD exomes below 0.00001.
gnomAD v4.1: 3 of 1,612,978 alleles (0.00019%); highest among the groups gnomAD compares: Non-Finnish European, 0.00025%; no homozygotes.

Submissions (3):

Labcorp Genetics (formerly Invitae), Labcorp
Classification: Benign for Tuberous sclerosis 2. Last evaluated: 2025-11-05. Review status: criteria provided, single submitter. Criteria: Invitae Variant Classification Sherloc (09022015). Collection method: clinical testing. Allele origin: germline.

Color Diagnostics, LLC DBA Color Health
Classification: Uncertain significance for Tuberous sclerosis syndrome. Last evaluated: 2025-05-21. Review status: criteria provided, single submitter. Criteria: ACMG Guidelines, 2015. Collection method: clinical testing. Allele origin: germline.
Comment: This missense variant replaces lysine with arginine at codon 1242 of the TSC2 protein. Computational prediction is inconclusive regarding the impact of this variant on protein structure and function. To our knowledge, functional studies have not been reported for this variant. This variant has not been reported in individuals affected with tuberous sclerosis complex in the literature. This variant has not been identified in the general population by the Genome Aggregation Database (gnomAD). The available evidence is insufficient to determine the role of this variant in disease conclusively. Therefore, this variant is classified as a Variant of Uncertain Significance.

Ambry Genetics
Classification: Uncertain significance for Hereditary cancer-predisposing syndrome. Last evaluated: 2025-01-13. Review status: criteria provided, single submitter. Criteria: Ambry Variant Classification Scheme 2023. Collection method: clinical testing. Allele origin: germline.
Comment: The p.K1242R variant (also known as c.3725A>G), located in coding exon 30 of the TSC2 gene, results from an A to G substitution at nucleotide position 3725. The lysine at codon 1242 is replaced by arginine, an amino acid with highly similar properties. This amino acid position is highly conserved in available vertebrate species. In addition, this alteration is predicted to be deleterious by in silico analysis. Based on the available evidence, the clinical significance of this variant remains unclear.

NM_000548.5(TSC2):c.3725A>G (p.Lys1242Arg)

Gene: TSC2 (TSC complex subunit 2; plus strand). Cytogenetic location: 16p13.3.
Variant type: single nucleotide variant.
Coding change: c.3725A>G on transcript NM_000548.5 (MANE Select); coding-DNA position 3725, A replaced by G.
Protein change: p.Lys1242Arg; replaces lysine 1242 with arginine.
Molecular consequence: missense variant.
Genome position (GRCh38, 1-based): chr16:2,081,709, A>G. VCF-style: chr16-2081709-A-G. GRCh37 (hg19) VCF-style: chr16-2131710-A-G.
Other names: c.3593A>G, p.Lys1198Arg (NM_001077183.3, NM_001370404.1); c.3725A>G, p.Lys1242Arg (NM_001114382.3); c.3485A>G, p.Lys1162Arg (NM_001318827.2); c.3449A>G, p.Lys1150Arg (NM_001318829.2); c.2993A>G, p.Lys998Arg (NM_001318831.2); c.3626A>G, p.Lys1209Arg (NM_001318832.2); c.3596A>G, p.Lys1199Arg (NM_001363528.2, NM_001370405.1, NM_021055.3); short protein forms K998R, K1162R, K1198R, K1209R, K1242R, K1199R, K1150R.
Identifiers: ClinVar variation 864437 (VCV000864437.13), dbSNP rs1567510728, ClinGen allele CA394292811.